The following is an entry in ClinVar:

ClinVar aggregate classification (germline): Uncertain significance (1 of 4 stars; one submission).

Conditions:
Fanconi anemia complementation group O. Also called: RAD51C-Related Fanconi Anemia. Identifiers: Orphanet 84, MedGen C3150653, MONDO:0013248, OMIM 613390.

Submission:

Labcorp Genetics (formerly Invitae), Labcorp
Classification: Uncertain significance for Fanconi anemia complementation group O. Last evaluated: 2022-01-15. Review status: criteria provided, single submitter. Criteria: Invitae Variant Classification Sherloc (09022015). Collection method: clinical testing. Allele origin: germline.
Comment: This variant is not present in population databases (gnomAD no frequency). This sequence change replaces serine, which is neutral and polar, with cysteine, which is neutral and slightly polar, at codon 16 of the RAD51C protein (p.Ser16Cys). This variant has not been reported in the literature in individuals affected with RAD51C-related conditions. In summary, the available evidence is currently insufficient to determine the role of this variant in disease. Therefore, it has been classified as a Variant of Uncertain Significance. Algorithms developed to predict the effect of missense changes on protein structure and function (SIFT, PolyPhen-2, Align-GVGD) all suggest that this variant is likely to be tolerated.

NM_058216.3(RAD51C):c.46A>T (p.Ser16Cys)

Gene: RAD51C (RAD51 paralog C; plus strand). Cytogenetic location: 17q22.
Variant type: single nucleotide variant.
Coding change: c.46A>T on transcript NM_058216.3 (MANE Select); coding-DNA position 46, A replaced by T.
Protein change: p.Ser16Cys; replaces serine 16 with cysteine.
Molecular consequence: missense variant. On other transcripts: non-coding transcript variant (1).
Genome position (GRCh38, 1-based): chr17:58,692,689, A>T. VCF-style: chr17-58692689-A-T. GRCh37 (hg19) VCF-style: chr17-56770050-A-T.
Other names: c.46A>T, p.Ser16Cys (NM_002876.4, NM_058217.1); short protein forms S16C.
Identifiers: ClinVar variation 2084307 (VCV002084307.4), dbSNP rs762060755, ClinGen allele CA400336613.